The following is an entry in ClinVar:

NM_000371.4(TTR):c.75C>T (p.Thr25=)

Gene: TTR (transthyretin; plus strand). Cytogenetic location: 18q12.1.
Variant type: single nucleotide variant.
Coding change: c.75C>T on transcript NM_000371.4 (MANE Select); coding-DNA position 75, C replaced by T.
Protein change: p.Thr25=; no amino-acid change (threonine 25 retained).
Molecular consequence: synonymous variant.
Genome position (GRCh38, 1-based): chr18:31,592,901, C>T. VCF-style: chr18-31592901-C-T. GRCh37 (hg19) VCF-style: chr18-29172864-C-T.
Other names: p.Thr25=.
Identifiers: ClinVar variation 917085 (VCV000917085.11), dbSNP rs750051388, ClinGen allele CA8928406.

ClinVar aggregate classification (germline): Likely benign. Review status: criteria provided, multiple submitters, no conflicts (2 of 4 stars). 4 submissions from 4 submitters: Likely benign (4). Last evaluated 2025-12-24.

Conditions:
Cardiovascular phenotype. Identifiers: MedGen CN230736.
Charcot-Marie-Tooth disease. Also called: Charcot-Marie-Tooth Hereditary Neuropathy; Charcot-Marie-Tooth Neuropathy. Identifiers: Orphanet 166, MedGen C0007959, MONDO:0015626.
Amyloidosis, hereditary systemic 1 (AMYLD1). Also called: Familial amyloid polyneuropathy; Transthyretin Amyloidosis; Amyloid Cardiomyopathy, Transthyretin-related; Hereditary oculoleptomeningeal amyloid angiopathy; Familial Transthyretin Amyloidosis; AMYLOID CARDIOMYOPATHY. Identifiers: Orphanet 85447, Orphanet 85451, MedGen C2751492, MONDO:0971004, OMIM 105210.

Allele frequency attached by ClinVar (database versions not stated): ExAC 0.00001; gnomAD 0.00001; gnomAD exomes 0.00001 and 0.00002.
gnomAD v4.1: 14 of 1,613,716 alleles (0.00087%); highest among the groups gnomAD compares: African/African-American, 0.008%; no homozygotes.

Submissions (4):

Labcorp Genetics (formerly Invitae), Labcorp
Classification: Likely benign for Amyloidosis, hereditary systemic 1. Last evaluated: 2025-12-24. Review status: criteria provided, single submitter. Criteria: Invitae Variant Classification Sherloc (09022015). Collection method: clinical testing. Allele origin: germline.

Mayo Clinic Laboratories, Mayo Clinic
Classification: Likely benign. Last evaluated: 2025-04-15. Review status: criteria provided, single submitter. Criteria: ACMG Guidelines, 2015. Collection method: clinical testing. Allele origin: germline. Observed: 1 variant allele.
Comment: BP4, BP7

Ambry Genetics
Classification: Likely benign for Cardiovascular phenotype. Last evaluated: 2025-02-13. Review status: criteria provided, single submitter. Criteria: Ambry Variant Classification Scheme 2023. Collection method: clinical testing. Allele origin: germline.

Molecular Genetics Laboratory, London Health Sciences Centre
Classification: Likely benign for Charcot-Marie-Tooth disease. Review status: criteria provided, single submitter. Criteria: ACMG Guidelines, 2015. Collection method: clinical testing. Allele origin: germline. Affected: yes.